The following is an entry in ClinVar:

NM_003816.3(ADAM9):c.1892A>G (p.Asn631Ser)

Gene: ADAM9 (ADAM metallopeptidase domain 9; plus strand). Cytogenetic location: 8p11.22.
Variant type: single nucleotide variant.
Coding change: c.1892A>G on transcript NM_003816.3 (MANE Select); coding-DNA position 1892, A replaced by G.
Protein change: p.Asn631Ser; replaces asparagine 631 with serine.
Molecular consequence: missense variant. On other transcripts: non-coding transcript variant (2).
Genome position (GRCh38, 1-based): chr8:39,082,651, A>G. VCF-style: chr8-39082651-A-G. GRCh37 (hg19) VCF-style: chr8-38940170-A-G.
Other names: short protein forms N631S.
Identifiers: ClinVar variation 1489233 (VCV001489233.6), dbSNP rs532248416, ClinGen allele CA4721756.

ClinVar aggregate classification (germline): Conflicting classifications of pathogenicity. Review status: criteria provided, conflicting classifications (1 of 4 stars). 2 submissions from 2 submitters: Uncertain significance (1); Likely benign (1). Last evaluated 2024-01-19.

Allele frequency attached by ClinVar (database versions not stated): gnomAD 0.00001 and 0.00002; TOPMed 0.00001; gnomAD exomes 0.00004 and 0.00008; ExAC 0.00007; 1000 Genomes Project 30x 0.00016; 1000 Genomes Project 0.00020.
gnomAD v4.1: 58 of 1,612,036 alleles (0.0036%); highest among the groups gnomAD compares: South Asian, 0.056%; 1 homozygote.

Submissions (2):

Blueprint Genetics
Classification: Likely benign. Last evaluated: 2024-01-19. Review status: criteria provided, single submitter. Criteria: ACMG Guidelines, 2015. Collection method: clinical testing. Allele origin: germline.

Labcorp Genetics (formerly Invitae), Labcorp
Classification: Uncertain significance. Last evaluated: 2021-08-28. Review status: criteria provided, single submitter. Criteria: Invitae Variant Classification Sherloc (09022015). Collection method: clinical testing. Allele origin: germline.
Comment: This sequence change replaces asparagine with serine at codon 631 of the ADAM9 protein (p.Asn631Ser). The asparagine residue is highly conserved and there is a small physicochemical difference between asparagine and serine. This variant is present in population databases (rs532248416, ExAC 0.05%). This variant has not been reported in the literature in individuals affected with ADAM9-related conditions. Algorithms developed to predict the effect of missense changes on protein structure and function are either unavailable or do not agree on the potential impact of this missense change (SIFT: "Tolerated"; PolyPhen-2: "Possibly Damaging"; Align-GVGD: "Class C0"). In summary, the available evidence is currently insufficient to determine the role of this variant in disease. Therefore, it has been classified as a Variant of Uncertain Significance.